The following is an entry in ClinVar:

NM_001711.6(BGN):c.838C>T (p.Arg280Trp)

Gene: BGN (biglycan; plus strand). Cytogenetic location: Xq28.
Variant type: single nucleotide variant.
Coding change: c.838C>T on transcript NM_001711.6 (MANE Select); coding-DNA position 838, C replaced by T.
Protein change: p.Arg280Trp; replaces arginine 280 with tryptophan.
Molecular consequence: missense variant.
Genome position (GRCh38, 1-based): chrX:153,507,114, C>T. VCF-style: chrX-153507114-C-T. GRCh37 (hg19) VCF-style: chrX-152772572-C-T.
Other names: c.838C>T (NM_001711.5, NM_001711.4); short protein forms R280W.
Identifiers: ClinVar variation 1444541 (VCV001444541.16), dbSNP rs370486954, ClinGen allele CA10547342.

ClinVar aggregate classification (germline): Conflicting classifications of pathogenicity. Review status: criteria provided, conflicting classifications (1 of 4 stars). 6 submissions from 6 submitters: Uncertain significance (5); Likely benign (1). Last evaluated 2026-02-04.

Conditions:
BGN-related disorder. Also called: BGN-related condition.
Cardiovascular phenotype. Identifiers: MedGen CN230736.

Allele frequency attached by ClinVar (database versions not stated): gnomAD exomes 0.00008 and 0.00020; ESP Exome Variant Server 0.00009; TOPMed 0.00009; gnomAD 0.00010 and 0.00011; ExAC 0.00013.

Submissions (6):

Labcorp Genetics (formerly Invitae), Labcorp
Classification: Uncertain significance. Last evaluated: 2026-02-04. Review status: criteria provided, single submitter. Criteria: Invitae Variant Classification Sherloc (09022015). Collection method: clinical testing. Allele origin: germline.
Comment: This sequence change replaces arginine, which is basic and polar, with tryptophan, which is neutral and slightly polar, at codon 280 of the BGN protein (p.Arg280Trp). The frequency data for this variant in the population databases is considered unreliable, as metrics indicate poor data quality at this position in the gnomAD database. This variant has not been reported in the literature in individuals affected with BGN-related conditions. ClinVar contains an entry for this variant (Variation ID: 1444541). Invitae Evidence Modeling of protein sequence and biophysical properties (such as structural, functional, and spatial information, amino acid conservation, physicochemical variation, residue mobility, and thermodynamic stability) indicates that this missense variant is expected to disrupt BGN protein function with a positive predictive value of 80%. In summary, the available evidence is currently insufficient to determine the role of this variant in disease. Therefore, it has been classified as a Variant of Uncertain Significance.

PreventionGenetics, part of Exact Sciences
Classification: Likely benign for BGN-related condition. Last evaluated: 2025-09-24. Review status: criteria provided, single submitter. Criteria: ACMG Guidelines, 2015. Collection method: clinical testing. Allele origin: germline.
Comment: This variant is classified as likely benign based on ACMG/AMP sequence variant interpretation guidelines (Richards et al. 2015 PMID: 25741868, with internal and published modifications).

Ambry Genetics
Classification: Uncertain significance for Cardiovascular phenotype. Last evaluated: 2025-07-15. Review status: criteria provided, single submitter. Criteria: Ambry Variant Classification Scheme 2023. Collection method: clinical testing. Allele origin: germline.
Comment: The p.R280W variant (also known as c.838C>T), located in coding exon 6 of the BGN gene, results from a C to T substitution at nucleotide position 838. The arginine at codon 280 is replaced by tryptophan, an amino acid with dissimilar properties. This amino acid position is highly conserved in available vertebrate species. In addition, this alteration is predicted to be deleterious by in silico analysis. Based on data from gnomAD, the T allele has an overall frequency of 0.0084% (16/190932) total alleles studied, with 3 hemizygote(s) observed. The highest observed frequency was 0.0177% (15/84837) of European (non-Finnish) alleles. Based on the available evidence, the clinical significance of this variant remains unclear.

GeneDx
Classification: Uncertain significance. Last evaluated: 2025-07-02. Review status: criteria provided, single submitter. Criteria: GeneDx Variant Classification Process June 2021. Collection method: clinical testing. Allele origin: germline. Affected: yes.
Comment: In silico analysis supports that this missense variant has a deleterious effect on protein structure/function; Has not been previously published as pathogenic or benign to our knowledge; Variants in candidate genes are classified as variants of uncertain significance in accordance with ACMG guidelines (PMID: 25741868); This variant is associated with the following publications: (PMID: 27535533)

Women's Health and Genetics/Laboratory Corporation of America, LabCorp
Classification: Uncertain significance. Last evaluated: 2023-11-15. Review status: criteria provided, single submitter. Criteria: LabCorp Variant Classification Summary - May 2015. Collection method: clinical testing. Allele origin: germline.
Comment: Variant summary: BGN c.838C>T (p.Arg280Trp) results in a non-conservative amino acid change in the encoded protein sequence. Four of five in-silico tools predict a damaging effect of the variant on protein function. The variant allele was found at a frequency of 8.3e-05 in 168989 control chromosomes. The observed variant frequency is approximately 66.28 fold of the estimated maximal expected allele frequency for a pathogenic variant in BGN causing Aortopathy phenotype (1.3e-06). To our knowledge, no occurrence of c.838C>T in individuals affected with Aortopathy and no experimental evidence demonstrating its impact on protein function have been reported. Three submitters have cited clinical-significance assessments for this variant to ClinVar after 2014. All submitters classified the variant as uncertain significance. Based on the evidence outlined above, the variant was classified as uncertain significance.

Revvity Omics, Revvity
Classification: Uncertain significance. Last evaluated: 2020-10-20. Review status: criteria provided, single submitter. Criteria: ACMG Guidelines, 2015. Collection method: clinical testing. Allele origin: germline.